The following is an entry in ClinVar:

NM_032861.4(SERAC1):c.1347_1350dup (p.Val451fs)

Gene: SERAC1 (serine active site containing 1; minus strand). Cytogenetic location: 6q25.3.
Variant type: Duplication.
Coding change: c.1347_1350dup on transcript NM_032861.4 (MANE Select); coding-DNA positions 1347 to 1350, 4 bases duplicated (ATCT; older notation c.1347_1350dupATCT).
Protein change: p.Val451fs; shifts the reading frame from valine 451.
Molecular consequence: frameshift variant.
Genome position (GRCh38, 1-based): chr6:158,117,780-158,117,783, AGAT duplicated on the plus strand (ATCT on the coding strand, the reverse complement: SERAC1 is on the minus strand); duplicating any 4 consecutive bases within chr6:158,117,780-158,117,784 gives the same sequence; the c. name uses the placement nearest the transcript's 3' end. VCF-style (leftmost placement, unchanged base first): chr6-158117779-C-CAGAT. GRCh37 (hg19) VCF-style: chr6-158538811-C-CAGAT.
Other names: c.1347_1350dupATCT (NM_032861.3); short protein forms V451fs.
Identifiers: ClinVar variation 215144 (VCV000215144.7), dbSNP rs780275814, ClinGen allele CA323856.

ClinVar aggregate classification (germline): Conflicting classifications of pathogenicity. Review status: criteria provided, conflicting classifications (1 of 4 stars). 3 submissions from 3 submitters: Pathogenic (2); Uncertain significance (1). Last evaluated 2025-09-24.

Conditions:
3-methylglutaconic aciduria with deafness, encephalopathy, and Leigh-like syndrome (MEGDEL). Also called: SERAC1 Deficiency; 3-METHYLGLUTACONIC ACIDURIA, TYPE VI; MEGDEL syndrome. Identifiers: Orphanet 352328, MedGen C4040739, MONDO:0013875, OMIM 614739.

Submissions (3):

Genesolutions, Medical Genetics Institutes, Ho Chi Minh City, Vietnam
Classification: Uncertain significance for 3-methylglutaconic aciduria with deafness, encephalopathy, and Leigh-like syndrome. Last evaluated: 2025-09-24. Review status: criteria provided, single submitter. Criteria: ACMG Guidelines, 2015. Collection method: clinical testing. Allele origin: germline. Affected: yes.

Labcorp Genetics (formerly Invitae), Labcorp
Classification: Pathogenic for 3-methylglutaconic aciduria with deafness, encephalopathy, and Leigh-like syndrome. Last evaluated: 2023-11-25. Review status: criteria provided, single submitter. Criteria: Invitae Variant Classification Sherloc (09022015). Collection method: clinical testing. Allele origin: germline.
Comment: This sequence change creates a premature translational stop signal (p.Val451Ilefs*5) in the SERAC1 gene. It is expected to result in an absent or disrupted protein product. Loss-of-function variants in SERAC1 are known to be pathogenic (PMID: 22683713). This variant is present in population databases (rs780275814, gnomAD 0.02%). This premature translational stop signal has been observed in individual(s) with 3-methylglutaconic aciduria (PMID: 29686941). ClinVar contains an entry for this variant (Variation ID: 215144). For these reasons, this variant has been classified as Pathogenic.

GeneDx
Classification: Pathogenic. Last evaluated: 2017-02-13. Review status: criteria provided, single submitter. Criteria: GeneDx Variant Classification (06012015). Collection method: clinical testing. Allele origin: germline. Affected: yes.
Comment: The c.1347_1350dupATCT variant has not been published as a pathogenic variant, nor has it been reported as a benign variant to our knowledge. The c.1347_1350dupATCT variant is not observed at a significant frequency in large population cohorts (Lek et al., 2016; 1000 Genomes Consortium et al., 2015; Exome Variant Server). The c.1347_1350dupATCT variant causes a frameshift starting with codon Valine 451, changes this amino acid to an Isoleucine residue and creates a premature Stop codon at position 5 of the new reading frame, denoted p.Val451IlefsX5. This variant is predicted to cause loss of normal protein function either through protein truncation or nonsense-mediated mRNA decay. We interpret this variant as pathogenic.

Literature cited by the submitters: PubMed 22683713 (cited by Labcorp Genetics (formerly Invitae), Labcorp); PubMed 29686941 (cited by Labcorp Genetics (formerly Invitae), Labcorp).